The following is an entry in ClinVar:

NM_001276345.2(TNNT2):c.382G>A (p.Glu128Lys)

Gene: TNNT2 (troponin T2, cardiac type; minus strand). Cytogenetic location: 1q32.1.
Variant type: single nucleotide variant.
Coding change: c.382G>A on transcript NM_001276345.2 (MANE Select); coding-DNA position 382, G replaced by A.
Protein change: p.Glu128Lys; replaces glutamic acid 128 with lysine.
Molecular consequence: missense variant. On other transcripts: intron variant (1).
Genome position (GRCh38, 1-based): chr1:201,365,220, C>T on the plus strand (G>A on the coding strand, the complement: TNNT2 is on the minus strand). VCF-style: chr1-201365220-C-T. GRCh37 (hg19) VCF-style: chr1-201334348-C-T.
Other names: c.382G>A, p.Glu128Lys (NM_000364.4); c.352G>A, p.Glu118Lys (NM_001001430.3, NM_001001431.3, NM_001276347.2); c.337G>A, p.Glu113Lys (NM_001001432.3); c.291+390G>A (NM_001276346.2); short protein forms E118K, E128K, E113K.
Identifiers: ClinVar variation 43634 (VCV000043634.5), dbSNP rs397516461, ClinGen allele CA004396.
Genomic context (GRCh38, chr1:201,365,220, plus strand): 5'-AGAATGTTAGGTGGGCAGACTGGACACCTACGATCCTGTCTTTGAGAGAAACGAGCTCCT[C>T]CTCCTCTTTCTTCCTGTTCTCAAAGTGAGCCTCGATCAGCGCCTGCAACTCATTCAGGTC-3'
Protein context (NP_001263274.1, residues 118-138): AHFENRKKEE[Glu128Lys]ELVSLKDRIE

ClinVar aggregate classification (germline): Likely pathogenic (1 of 4 stars; one submission).

Conditions:
Primary dilated cardiomyopathy (DCM). Also called: Dilated Cardiomyopathy. Identifiers: Orphanet 217604, MedGen C0007193, MeSH D002311, MONDO:0005021, HP:0001644. Inheritance: Various modes of inheritance.

Submission:

Laboratory for Molecular Medicine, Mass General Brigham Personalized Medicine
Classification: Likely pathogenic for Primary dilated cardiomyopathy. Last evaluated: 2013-01-14. Review status: criteria provided, single submitter. Criteria: LMM Criteria. Collection method: clinical testing. Allele origin: germline. Inheritance: Autosomal dominant inheritance. Observed: 1 variant allele.
Comment: This variant has also not been identified in large and broad European American and African American po pulations by the NHLBI Exome Sequencing Project (S), which increases the likelihood that the variant is pathogenic. However, we c annot exclude that it may be common in other populations. Glutamic acid (Glu) at position 118 is highly conserved in mammals and across evolutionarily distant s pecies, though dolphin has another amino acid at this position. The change to Ly sine (Lys) was predicted to be pathogenic using a computational tool clinically validated by our laboratory. This tool's pathogenic prediction is estimated to b e correct 94% of the time (Jordan 2011). In summary, the de novo occurrence and computational predictions support that this variant is likely pathogenic, though additional studies are needed to fully assess its clinical significance.